The following is an entry in ClinVar:

ClinVar aggregate classification (germline): Uncertain significance (1 of 4 stars; one submission).

Conditions:
Mucopolysaccharidosis, MPS-III-D (MPS3D). Also called: N-ACETYLGLUCOSAMINE-6-SULFATASE DEFICIENCY; SANFILIPPO SYNDROME D; MPS III D; Mucopoly-saccharidosis type 3D; N-acetylglucosamine-6-sulfate sulfatase deficiency; MPS 3D. Identifiers: Orphanet 581, Orphanet 79272, MedGen C0086650, MONDO:0009658, OMIM 252940.

Allele frequency attached by ClinVar (database versions not stated): TOPMed below 0.00001.
gnomAD v4.1: 4 of 1,612,852 alleles (0.00025%); highest among the groups gnomAD compares: Non-Finnish European, 0.00034%; no homozygotes.

Submission:

Labcorp Genetics (formerly Invitae), Labcorp
Classification: Uncertain significance for Mucopolysaccharidosis, MPS-III-D. Last evaluated: 2022-10-14. Review status: criteria provided, single submitter. Criteria: Invitae Variant Classification Sherloc (09022015). Collection method: clinical testing. Allele origin: germline.
Comment: This sequence change replaces aspartic acid, which is acidic and polar, with glycine, which is neutral and non-polar, at codon 217 of the GNS protein (p.Asp217Gly). This variant is not present in population databases (gnomAD no frequency). This variant has not been reported in the literature in individuals affected with GNS-related conditions. Advanced modeling of protein sequence and biophysical properties (such as structural, functional, and spatial information, amino acid conservation, physicochemical variation, residue mobility, and thermodynamic stability) performed at Invitae indicates that this missense variant is not expected to disrupt GNS protein function. In summary, the available evidence is currently insufficient to determine the role of this variant in disease. Therefore, it has been classified as a Variant of Uncertain Significance.

NM_002076.4(GNS):c.650A>G (p.Asp217Gly)

Gene: GNS (glucosamine (N-acetyl)-6-sulfatase; minus strand). Cytogenetic location: 12q14.3.
Variant type: single nucleotide variant.
Coding change: c.650A>G on transcript NM_002076.4 (MANE Select); coding-DNA position 650, A replaced by G.
Protein change: p.Asp217Gly; replaces aspartic acid 217 with glycine.
Molecular consequence: missense variant.
Genome position (GRCh38, 1-based): chr12:64,743,283, T>C on the plus strand (A>G on the coding strand, the complement: GNS is on the minus strand). VCF-style: chr12-64743283-T-C. GRCh37 (hg19) VCF-style: chr12-65137063-T-C.
Other names: short protein forms D217G.
Identifiers: ClinVar variation 1936466 (VCV001936466.2), dbSNP rs1028132338, ClinGen allele CA238290087.